The following is an entry in ClinVar:

ClinVar aggregate classification (germline): Uncertain significance (1 of 4 stars; one submission).

Conditions:
Hypertrophic cardiomyopathy. Also called: HYPERTROPHIC MYOCARDIOPATHY. Identifiers: Orphanet 217569, MedGen C0007194, MeSH D002312, MONDO:0005045, HP:0001639.

Submission:

Labcorp Genetics (formerly Invitae), Labcorp
Classification: Uncertain significance for Hypertrophic cardiomyopathy. Last evaluated: 2025-02-26. Review status: criteria provided, single submitter. Criteria: Invitae Variant Classification Sherloc (09022015). Collection method: clinical testing. Allele origin: germline.
Comment: This sequence change replaces proline, which is neutral and non-polar, with serine, which is neutral and polar, at codon 307 of the MYH7 protein (p.Pro307Ser). This variant is not present in population databases (gnomAD no frequency). This variant has not been reported in the literature in individuals affected with MYH7-related conditions. ClinVar contains an entry for this variant (Variation ID: 1019506). Invitae Evidence Modeling of protein sequence and biophysical properties (such as structural, functional, and spatial information, amino acid conservation, physicochemical variation, residue mobility, and thermodynamic stability) indicates that this missense variant is expected to disrupt MYH7 protein function with a positive predictive value of 95%. This variant is found within a region of MYH7 between codons 181 and 937 that contains the majority of the myosin head domain. Missense variants in this region have been shown to be significantly overrepresented in individuals with hypertrophic cardiomyopathy (PMID: 27532257). In summary, the available evidence is currently insufficient to determine the role of this variant in disease. Therefore, it has been classified as a Variant of Uncertain Significance.

Literature cited by the submitters: PubMed 27532257.

NM_000257.4(MYH7):c.919C>T (p.Pro307Ser)

Gene: MYH7 (myosin heavy chain 7; minus strand). Cytogenetic location: 14q11.2.
Variant type: single nucleotide variant.
Coding change: c.919C>T on transcript NM_000257.4 (MANE Select); coding-DNA position 919, C replaced by T.
Protein change: p.Pro307Ser; replaces proline 307 with serine.
Molecular consequence: missense variant.
Genome position (GRCh38, 1-based): chr14:23,430,640, G>A on the plus strand (C>T on the coding strand, the complement: MYH7 is on the minus strand). VCF-style: chr14-23430640-G-A. GRCh37 (hg19) VCF-style: chr14-23899849-G-A.
Other names: short protein forms P307S.
Identifiers: ClinVar variation 1019506 (VCV001019506.8), dbSNP rs1892891910, ClinGen allele CA389051754.